The following is an entry in ClinVar:

NM_000152.5(GAA):c.18_25del (p.Cys8fs)

Gene: GAA (alpha glucosidase; plus strand). Cytogenetic location: 17q25.3.
Variant type: Deletion.
Coding change: c.18_25del on transcript NM_000152.5 (MANE Select); coding-DNA positions 18 to 25, 8 bases deleted (GCCCTGCT; older notation c.18_25delGCCCTGCT).
Protein change: p.Cys8fs; shifts the reading frame from cysteine 8.
Molecular consequence: frameshift variant.
Genome position (GRCh38, 1-based): chr17:80,104,604-80,104,611, GCCCTGCT deleted. VCF-style (leftmost placement, unchanged base first): chr17-80104603-CGCCCTGCT-C. GRCh37 (hg19) VCF-style: chr17-78078402-CGCCCTGCT-C.
Other names: c.18_25del, p.Cys8fs (NM_001079803.3, NM_001079804.3, NM_001406741.1 and 1 more transcripts); short protein forms C8fs.
Identifiers: ClinVar variation 4876463 (VCV004876463.1).

ClinVar aggregate classification (germline): Pathogenic (1 of 4 stars; one submission).

Conditions:
Glycogen storage disease, type II (IOPD). Also called: Pompe Disease; CARDIOMEGALIA GLYCOGENICA DIFFUSA; GLYCOGENOSIS, GENERALIZED, CARDIAC FORM; GSD II; POMPE DISEASE, INFANTILE-ONSET; GLYCOGEN STORAGE DISEASE II, INFANTILE-ONSET. Identifiers: Orphanet 365, MedGen C0017921, MONDO:0009290, OMIM 232300.

Submission:

Genomenon, Inc
Classification: Pathogenic for Glycogen storage disease, type II. Last evaluated: 2026-07-01. Review status: criteria provided, single submitter. Criteria: Genomenon Sequence Variant Interpretation Standards - Updated. Collection method: curation. Allele origin: germline. Affected: yes.
Comment: GAA p.Cys8ProfsTer24 (c.18_25del) is a frameshift variant that is predicted to introduce a premature termination codon and result in a truncated or absent protein product. This variant has been observed in at least one proband with a GAA-related disorder (PMID:19588081). Functional studies have been reported (PMID:37486520). It is absent or not present at a significant frequency in gnomAD. In conclusion, we classify GAA p.Cys8ProfsTer24 (c.18_25del) as a pathogenic variant.

Literature cited by the submitters: PubMed 19588081; PubMed 37486520.